The following is an entry in ClinVar:

ClinVar aggregate classification (germline): Uncertain significance (1 of 4 stars; one submission).

Conditions:
Inborn genetic diseases. Identifiers: MedGen C0950123, MeSH D030342.

Submission:

Ambry Genetics
Classification: Uncertain significance for Inborn genetic diseases. Last evaluated: 2021-08-06. Review status: criteria provided, single submitter. Criteria: Ambry Variant Classification Scheme 2023. Collection method: clinical testing. Allele origin: germline.
Comment: The p.D830H variant (also known as c.2488G>C), located in coding exon 19 of the BUB1B gene, results from a G to C substitution at nucleotide position 2488. The aspartic acid at codon 830 is replaced by histidine, an amino acid with similar properties. This amino acid position is conserved. In addition, the in silico prediction for this alteration is inconclusive. Since supporting evidence is limited at this time, the clinical significance of this alteration remains unclear.

NM_001211.6(BUB1B):c.2488G>C (p.Asp830His)

Gene: BUB1B (BUB1 mitotic checkpoint serine/threonine kinase B; plus strand). Cytogenetic location: 15q15.1.
Variant type: single nucleotide variant.
Coding change: c.2488G>C on transcript NM_001211.6 (MANE Select); coding-DNA position 2488, G replaced by C.
Protein change: p.Asp830His; replaces aspartic acid 830 with histidine.
Molecular consequence: missense variant.
Genome position (GRCh38, 1-based): chr15:40,212,601, G>C. VCF-style: chr15-40212601-G-C. GRCh37 (hg19) VCF-style: chr15-40504802-G-C.
Other names: short protein forms D830H.
Identifiers: ClinVar variation 1792019 (VCV001792019.2), dbSNP rs2542575555, ClinGen allele CA391695434.